The following is an entry in ClinVar:

ClinVar aggregate classification (germline): Conflicting classifications of pathogenicity. Review status: criteria provided, conflicting classifications (1 of 4 stars). 4 submissions from 4 submitters: Pathogenic (1); Uncertain significance (2). 1 of the submissions does not count toward it. Last evaluated 2022-05-12.

Conditions:
Adenylosuccinate lyase deficiency (ADSLD). Also called: ADSL DEFICIENCY. Identifiers: Orphanet 46, MedGen C0268126, MONDO:0007068, OMIM 103050.

Allele frequency attached by ClinVar (database versions not stated): gnomAD exomes below 0.00001; TOPMed 0.00001.
gnomAD v4.1: 2 of 1,614,206 alleles (0.00012%); highest among the groups gnomAD compares: South Asian, 0.0022%; no homozygotes.

Submissions (4):

Labcorp Genetics (formerly Invitae), Labcorp
Classification: Pathogenic for Adenylosuccinate lyase deficiency. Last evaluated: 2022-05-12. Review status: criteria provided, single submitter. Criteria: Invitae Variant Classification Sherloc (09022015). Collection method: clinical testing. Allele origin: germline.
Comment: This sequence change replaces valine, which is neutral and non-polar, with isoleucine, which is neutral and non-polar, at codon 168 of the ADSL protein (p.Val168Ile). This variant is not present in population databases (gnomAD no frequency). This missense change has been observed in individual(s) with adenylosuccinate lyase deficiency (PMID: 33648541). In at least one individual the data is consistent with being in trans (on the opposite chromosome) from a pathogenic variant. ClinVar contains an entry for this variant (Variation ID: 1029580). Advanced modeling of protein sequence and biophysical properties (such as structural, functional, and spatial information, amino acid conservation, physicochemical variation, residue mobility, and thermodynamic stability) performed at Invitae indicates that this missense variant is expected to disrupt ADSL protein function. For these reasons, this variant has been classified as Pathogenic.

Baylor Genetics
Classification: Uncertain significance for Adenylosuccinate lyase deficiency. Last evaluated: 2020-09-02. Review status: criteria provided, single submitter. Criteria: ACMG Guidelines, 2015. Collection method: clinical testing. Allele origin: unknown. Affected: yes.
Comment: This variant was determined to be of uncertain significance according to ACMG Guidelines, 2015 [PMID:25741868].

Mayo Clinic Laboratories, Mayo Clinic
Classification: Uncertain significance. Last evaluated: 2019-10-06. Review status: criteria provided, single submitter. Criteria: ACMG Guidelines, 2015. Collection method: clinical testing. Allele origin: germline. Observed: 1 variant allele.

Hong-Tao Li Lab, Institute of Brain Science and Brain-inspired Research, Shandong First Medical University & Shandong Academy of Medical Sciences China
Classification: Pathogenic for Adenylosuccinate lyase deficiency. Review status: no assertion criteria provided. Collection method: research. Allele origin: germline. Inheritance: Autosomal recessive inheritance. Affected: yes. Observed: 1 variant allele, 1 homozygote. Not counted in ClinVar's aggregate classification.
Comment: Observed in affected individuals from a Pakistani neurodevelopmental-disorder research cohort of 263 individuals. Classification assigned using the ACMG/AMP framework.

Literature cited by the submitters: PubMed 33648541 (cited by Labcorp Genetics (formerly Invitae), Labcorp).

NM_000026.4(ADSL):c.502G>A (p.Val168Ile)

Gene: ADSL (adenylosuccinate lyase; plus strand). Cytogenetic location: 22q13.1.
Variant type: single nucleotide variant.
Coding change: c.502G>A on transcript NM_000026.4 (MANE Select); coding-DNA position 502, G replaced by A.
Protein change: p.Val168Ile; replaces valine 168 with isoleucine.
Molecular consequence: missense variant. On other transcripts: non-coding transcript variant (1).
Genome position (GRCh38, 1-based): chr22:40,358,883, G>A. VCF-style: chr22-40358883-G-A. GRCh37 (hg19) VCF-style: chr22-40754887-G-A.
Other names: c.502G>A, p.Val168Ile (NM_001123378.3, NM_001363840.3); c.310G>A, p.Val104Ile (NM_001317923.2); short protein forms V104I, V168I.
Identifiers: ClinVar variation 1029580 (VCV001029580.11), dbSNP rs1385675650, ClinGen allele CA411640439.